The following is an entry in ClinVar:

ClinVar aggregate classification (germline): Benign/Likely benign. Review status: criteria provided, multiple submitters, no conflicts (2 of 4 stars). 3 submissions from 3 submitters: Benign (2); Likely benign (1). Last evaluated 2026-02-01.

Allele frequency attached by ClinVar (database versions not stated): 1000 Genomes Project 30x 0.00203; 1000 Genomes Project 0.00220; TOPMed 0.00286; ESP Exome Variant Server 0.00348; gnomAD 0.00386 and 0.00391; gnomAD exomes 0.00428 and 0.00429; ExAC 0.00519.
gnomAD v4.1: 6,730 of 1,606,782 alleles (0.42%); highest among the groups gnomAD compares: Non-Finnish European, 0.44%; 35 homozygotes.

Submissions (3):

Labcorp Genetics (formerly Invitae), Labcorp
Classification: Benign. Last evaluated: 2026-02-01. Review status: criteria provided, single submitter. Criteria: Invitae Variant Classification Sherloc (09022015). Collection method: clinical testing. Allele origin: germline.

CeGaT Center for Human Genetics Tuebingen
Classification: Likely benign. Last evaluated: 2022-10-01. Review status: criteria provided, single submitter. Criteria: CeGaT Center For Human Genetics Tuebingen Variant Classification Criteria Version 2. Collection method: clinical testing. Allele origin: germline. Affected: yes. Observed: 1 variant allele.
Comment: NYNRIN: BP4, BS2

Breakthrough Genomics
Classification: Benign. Review status: criteria provided, single submitter. Criteria: ACMG Guidelines, 2015. Collection method: not provided. Allele origin: germline. Inheritance: Unknown mechanism. Affected: yes.

NM_025081.3(NYNRIN):c.1921A>C (p.Lys641Gln)

Gene: NYNRIN (NYN domain and retroviral integrase containing; plus strand). Cytogenetic location: 14q12.
Variant type: single nucleotide variant.
Coding change: c.1921A>C on transcript NM_025081.3 (MANE Select); coding-DNA position 1921, A replaced by C.
Protein change: p.Lys641Gln; replaces lysine 641 with glutamine.
Molecular consequence: missense variant.
Genome position (GRCh38, 1-based): chr14:24,409,715, A>C. VCF-style: chr14-24409715-A-C. GRCh37 (hg19) VCF-style: chr14-24878921-A-C.
Other names: short protein forms K641Q.
Identifiers: ClinVar variation 779270 (VCV000779270.31), dbSNP rs145306004, ClinGen allele CA7136872.
Genomic context (GRCh38, chr14:24,409,715, plus strand): 5'-ACTCCAAAAACTCCCCAGGCTCAGAAGATGCCTGTAGCAAAAACATCACCTGCAGGTCCC[A>C]AAACACCCAAAGCTCAAGCCGGGCCTGCAGCTACAGTTTCCAAAGCACCTGCAGCTTCCA-3'
Protein context (NP_079357.2, residues 631-651): PVAKTSPAGP[Lys641Gln]TPKAQAGPAA